The following is an entry in ClinVar:

ClinVar aggregate classification (germline): Pathogenic (1 of 4 stars; one submission).

Submission:

GeneDx
Classification: Pathogenic. Last evaluated: 2025-09-01. Review status: criteria provided, single submitter. Criteria: GeneDx Variant Classification Process June 2021. Collection method: clinical testing. Allele origin: germline.
Comment: Not observed at significant frequency in large population cohorts (gnomAD); In silico analysis supports that this missense variant has a deleterious effect on protein structure/function; Has not been previously published as pathogenic or benign to our knowledge

NM_021614.4(KCNN2):c.1721G>A (p.Gly574Asp)

Genes: KCNN2 (potassium calcium-activated channel subfamily N member 2; plus strand), KCNN2-AS1 (KCNN2 antisense RNA 1; minus strand). Cytogenetic location: 5q22.3.
Variant type: single nucleotide variant.
Coding change: c.1721G>A on transcript NM_021614.4 (MANE Select); coding-DNA position 1721, G replaced by A.
Protein change: p.Gly574Asp; replaces glycine 574 with aspartic acid.
Molecular consequence: missense variant. On other transcripts: non-coding transcript variant (2).
Genome position (GRCh38, 1-based): chr5:114,463,132, G>A. VCF-style: chr5-114463132-G-A. GRCh37 (hg19) VCF-style: chr5-113798829-G-A.
Other names: c.1919G>A, p.Gly640Asp (NM_001372233.1); c.41G>A, p.Gly14Asp (NM_170775.3); c.41G>A (NM_170775.2); short protein forms G14D, G574D, G640D.
Identifiers: ClinVar variation 3363942 (VCV003363942.2).